The following is an entry in ClinVar:

ClinVar aggregate classification (germline): Benign/Likely benign. Review status: criteria provided, multiple submitters, no conflicts (2 of 4 stars). 8 submissions from 8 submitters: Benign (2); Likely benign (5). 1 of the submissions does not count toward it. Last evaluated 2026-09-01.

Conditions:
PIGN-related disorder. Also called: PIGN-related condition.
Inborn genetic diseases. Identifiers: MedGen C0950123, MeSH D030342.
Multiple congenital anomalies-hypotonia-seizures syndrome 1 (MCAHS1). Also called: PIGN-CDG; Congenital disorder of glycosylation due to PIGN deficiency; GLYCOSYLPHOSPHATIDYLINOSITOL BIOSYNTHESIS DEFECT 3. Identifiers: Orphanet 280633, MedGen C3279775, MONDO:0013563, OMIM 614080.

Allele frequency attached by ClinVar (database versions not stated): 1000 Genomes Project 30x 0.00078; 1000 Genomes Project 0.00080; TOPMed 0.00245; gnomAD 0.00250 and 0.00282; ESP Exome Variant Server 0.00262; gnomAD exomes 0.00281 and 0.00408; ExAC 0.00695.
gnomAD v4.1: 6,181 of 1,590,276 alleles (0.39%); highest among the groups gnomAD compares: Non-Finnish European, 0.49%; 15 homozygotes.

Submissions (8):

CeGaT Center for Human Genetics Tuebingen
Classification: Likely benign. Last evaluated: 2026-09-01. Review status: criteria provided, single submitter. Criteria: CeGaT Center For Human Genetics Tuebingen Variant Classification Criteria Version 2. Collection method: clinical testing. Allele origin: germline. Affected: yes. Observed: 27 variant alleles.
Comment: PIGN: BP4, BP7, BS2

Labcorp Genetics (formerly Invitae), Labcorp
Classification: Benign for Multiple congenital anomalies-hypotonia-seizures syndrome 1. Last evaluated: 2026-02-03. Review status: criteria provided, single submitter. Criteria: Invitae Variant Classification Sherloc (09022015). Collection method: clinical testing. Allele origin: germline.

Mayo Clinic Laboratories, Mayo Clinic
Classification: Likely benign. Last evaluated: 2025-03-11. Review status: criteria provided, single submitter. Criteria: ACMG Guidelines, 2015. Collection method: clinical testing. Allele origin: germline. Observed: 2 variant alleles.
Comment: BS2, BP4, BP7

Blueprint Genetics
Classification: Likely benign. Last evaluated: 2024-11-22. Review status: criteria provided, single submitter. Criteria: ACMG Guidelines, 2015. Collection method: clinical testing. Allele origin: germline.

GeneDx
Classification: Likely benign. Last evaluated: 2020-10-13. Review status: criteria provided, single submitter. Criteria: GeneDx Variant Classification Process June 2021. Collection method: clinical testing. Allele origin: germline. Affected: yes.

Athena Diagnostics
Classification: Benign. Last evaluated: 2018-03-14. Review status: criteria provided, single submitter. Criteria: Athena Diagnostics Criteria. Collection method: clinical testing. Allele origin: germline.

Ambry Genetics
Classification: Likely benign for Inborn genetic diseases. Last evaluated: 2016-07-24. Review status: criteria provided, single submitter. Criteria: Ambry Variant Classification Scheme 2023. Collection method: clinical testing. Allele origin: germline.

PreventionGenetics, part of Exact Sciences
Classification: Likely benign for PIGN-related condition. Last evaluated: 2019-06-28. Review status: no assertion criteria provided. Collection method: clinical testing. Allele origin: germline. Not counted in ClinVar's aggregate classification.
Comment: This variant is classified as likely benign based on ACMG/AMP sequence variant interpretation guidelines (Richards et al. 2015 PMID: 25741868, with internal and published modifications).

NM_176787.5(PIGN):c.1617T>C (p.Tyr539=)

Gene: PIGN (phosphatidylinositol glycan anchor biosynthesis class N; minus strand). Cytogenetic location: 18q21.33.
Variant type: single nucleotide variant.
Coding change: c.1617T>C on transcript NM_176787.5 (MANE Select); coding-DNA position 1617, T replaced by C.
Protein change: p.Tyr539=; no amino-acid change (tyrosine 539 retained).
Molecular consequence: synonymous variant.
Genome position (GRCh38, 1-based): chr18:62,107,043, A>G on the plus strand (T>C on the coding strand, the complement: PIGN is on the minus strand). VCF-style: chr18-62107043-A-G. GRCh37 (hg19) VCF-style: chr18-59774276-A-G.
Other names: p.Tyr539=; c.1617T>C, p.Tyr539= (NM_012327.6).
Identifiers: ClinVar variation 472208 (VCV000472208.58), dbSNP rs147306123, ClinGen allele CA8982233.